The following is an entry in ClinVar:

NM_017780.4(CHD7):c.2399C>T (p.Pro800Leu)

Gene: CHD7 (chromodomain helicase DNA binding protein 7; plus strand). Cytogenetic location: 8q12.2.
Variant type: single nucleotide variant.
Coding change: c.2399C>T on transcript NM_017780.4 (MANE Select); coding-DNA position 2399, C replaced by T.
Protein change: p.Pro800Leu; replaces proline 800 with leucine.
Molecular consequence: missense variant. On other transcripts: intron variant (1).
Genome position (GRCh38, 1-based): chr8:60,801,550, C>T. VCF-style: chr8-60801550-C-T. GRCh37 (hg19) VCF-style: chr8-61714109-C-T.
Other names: c.1716+20500C>T (NM_001316690.1); short protein forms P800L.
Identifiers: ClinVar variation 1790662 (VCV001790662.9), dbSNP rs1168472463, ClinGen allele CA371301337.

ClinVar aggregate classification (germline): Uncertain significance. Review status: criteria provided, multiple submitters, no conflicts (2 of 4 stars). 3 submissions from 3 submitters: Uncertain significance (3). Last evaluated 2025-01-04.

Conditions:
CHARGE syndrome (CHARGE). Also called: Hittner Hirsch Kreh syndrome; CHARGE ASSOCIATION--COLOBOMA, HEART ANOMALY, CHOANAL ATRESIA, RETARDATION, GENITAL AND EAR ANOMALIES; Coloboma, heart anomaly, choanal atresia, retardation, genital and ear anomalies; CHARGE association; Hall-Hittner syndrome. Identifiers: Orphanet 138, MedGen C0265354, MONDO:0008965.
Inborn genetic diseases. Identifiers: MedGen C0950123, MeSH D030342.

Allele frequency attached by ClinVar (database versions not stated): TOPMed 0.00001.
gnomAD v4.1: 11 of 1,574,260 alleles (0.0007%); highest among the groups gnomAD compares: East Asian, 0.012%; no homozygotes.

Submissions (3):

Women's Health and Genetics/Laboratory Corporation of America, LabCorp
Classification: Uncertain significance. Last evaluated: 2025-01-04. Review status: criteria provided, single submitter. Criteria: LabCorp Variant Classification Summary - May 2015. Collection method: clinical testing. Allele origin: germline.

Labcorp Genetics (formerly Invitae), Labcorp
Classification: Uncertain significance for CHARGE syndrome. Last evaluated: 2023-07-25. Review status: criteria provided, single submitter. Criteria: Invitae Variant Classification Sherloc (09022015). Collection method: clinical testing. Allele origin: germline.
Comment: In summary, the available evidence is currently insufficient to determine the role of this variant in disease. Therefore, it has been classified as a Variant of Uncertain Significance. Advanced modeling of protein sequence and biophysical properties (such as structural, functional, and spatial information, amino acid conservation, physicochemical variation, residue mobility, and thermodynamic stability) performed at Invitae indicates that this missense variant is not expected to disrupt CHD7 protein function. ClinVar contains an entry for this variant (Variation ID: 1790662). This variant has not been reported in the literature in individuals affected with CHD7-related conditions. This variant is not present in population databases (gnomAD no frequency). This sequence change replaces proline, which is neutral and non-polar, with leucine, which is neutral and non-polar, at codon 800 of the CHD7 protein (p.Pro800Leu).

Ambry Genetics
Classification: Uncertain significance for Inborn genetic diseases. Last evaluated: 2022-01-02. Review status: criteria provided, single submitter. Criteria: Ambry Variant Classification Scheme 2023. Collection method: clinical testing. Allele origin: germline.
Comment: The p.P800L variant (also known as c.2399C>T), located in coding exon 5 of the CHD7 gene, results from a C to T substitution at nucleotide position 2399. The proline at codon 800 is replaced by leucine, an amino acid with similar properties. This amino acid position is conserved. In addition, the in silico prediction for this alteration is inconclusive. Since supporting evidence is limited at this time, the clinical significance of this alteration remains unclear.